The following is an entry in ClinVar:

NM_152309.3(PIK3AP1):c.91T>C (p.Phe31Leu)

Gene: PIK3AP1 (phosphoinositide-3-kinase adaptor protein 1; minus strand). Cytogenetic location: 10q24.1.
Variant type: single nucleotide variant.
Coding change: c.91T>C on transcript NM_152309.3 (MANE Select); coding-DNA position 91, T replaced by C.
Protein change: p.Phe31Leu; replaces phenylalanine 31 with leucine.
Molecular consequence: missense variant.
Genome position (GRCh38, 1-based): chr10:96,709,906, A>G on the plus strand (T>C on the coding strand, the complement: PIK3AP1 is on the minus strand). VCF-style: chr10-96709906-A-G. GRCh37 (hg19) VCF-style: chr10-98469663-A-G.
Other names: short protein forms F31L.
Identifiers: ClinVar variation 2844215 (VCV002844215.3), dbSNP rs2493793647, ClinGen allele CA377760294.

ClinVar aggregate classification (germline): Uncertain significance (1 of 4 stars; one submission).

Conditions:
Infantile spasms. Also called: Infantile spasm. Identifiers: MedGen C3887898, HP:0012469.

Submission:

Labcorp Genetics (formerly Invitae), Labcorp
Classification: Uncertain significance for Infantile spasms. Last evaluated: 2023-09-10. Review status: criteria provided, single submitter. Criteria: Invitae Variant Classification Sherloc (09022015). Collection method: clinical testing. Allele origin: germline.
Comment: In summary, the available evidence is currently insufficient to determine the role of this variant in disease. Therefore, it has been classified as a Variant of Uncertain Significance. An algorithm developed to predict the effect of missense changes on protein structure and function (PolyPhen-2) suggests that this variant is likely to be tolerated. This variant has not been reported in the literature in individuals affected with PIK3AP1-related conditions. This variant is not present in population databases (gnomAD no frequency). This sequence change replaces phenylalanine, which is neutral and non-polar, with leucine, which is neutral and non-polar, at codon 31 of the PIK3AP1 protein (p.Phe31Leu).